The following is an entry in ClinVar:

ClinVar aggregate classification (germline): Likely pathogenic (1 of 4 stars; one submission).

Conditions:
LAMA2-related muscular dystrophy (LAMA2-RD). Also called: Laminin alpha 2-related dystrophy. Identifiers: MedGen C5679788, MONDO:0100228.

Submission:

Labcorp Genetics (formerly Invitae), Labcorp
Classification: Likely pathogenic for LAMA2-related muscular dystrophy. Last evaluated: 2021-12-12. Review status: criteria provided, single submitter. Criteria: Invitae Variant Classification Sherloc (09022015). Collection method: clinical testing. Allele origin: germline.
Comment: Algorithms developed to predict the effect of sequence changes on RNA splicing suggest that this variant may disrupt the consensus splice site. In summary, the currently available evidence indicates that the variant is pathogenic, but additional data are needed to prove that conclusively. Therefore, this variant has been classified as Likely Pathogenic. This variant has not been reported in the literature in individuals affected with LAMA2-related conditions. This variant results in the deletion of part of exon 46 (c.6430-19_6461del) of the LAMA2 gene. It is expected to disrupt RNA splicing. Variants that disrupt the donor or acceptor splice site typically lead to a loss of protein function (PMID: 16199547), and loss-of-function variants in LAMA2 are known to be pathogenic (PMID: 18700894, 32904964). This variant is not present in population databases (gnomAD no frequency).

Literature cited by the submitters: PubMed 16199547; PubMed 18700894; PubMed 32904964.

NM_000426.4(LAMA2):c.6430-19_6461del

Gene: LAMA2 (laminin subunit alpha 2; plus strand). Cytogenetic location: 6q22.33.
Variant type: Deletion.
Coding change: c.6430-19_6461del on transcript NM_000426.4 (MANE Select); 19 bases into the intron before coding-DNA position 6430 through coding-DNA position 6461, 51 bases deleted.
Molecular consequence: splice acceptor variant.
Genome position (GRCh38, 1-based): chr6:129,452,969-129,453,019, 51 bases deleted. GRCh37 (hg19): chr6:129,774,114-129,774,164.
Other names: c.6430-19_6461del (NM_001079823.2).
Identifiers: ClinVar variation 2040502 (VCV002040502.4), dbSNP rs2533416106, ClinGen allele CA2580074964.